The following is an entry in ClinVar:

NM_000748.3(CHRNB2):c.961G>C (p.Val321Leu)

Gene: CHRNB2 (cholinergic receptor nicotinic beta 2 subunit; plus strand). Cytogenetic location: 1q21.3.
Variant type: single nucleotide variant.
Coding change: c.961G>C on transcript NM_000748.3 (MANE Select); coding-DNA position 961, G replaced by C.
Protein change: p.Val321Leu; replaces valine 321 with leucine.
Molecular consequence: missense variant.
Genome position (GRCh38, 1-based): chr1:154,571,784, G>C. VCF-style: chr1-154571784-G-C. GRCh37 (hg19) VCF-style: chr1-154544260-G-C.
Other names: c.961G>C (NM_000748.2); short protein forms V321L.
Identifiers: ClinVar variation 2758489 (VCV002758489.4), dbSNP rs771568668, ClinGen allele CA342631196.
Genomic context (GRCh38, chr1:154,571,784, plus strand): 5'-CTCATGTTCACCATGGTGCTTGTCACCTTCTCCATCGTCACCAGCGTGTGCGTGCTCAAC[G>C]TGCACCACCGCTCGCCCACCACGCACACCATGGCGCCCTGGGTGAAGGTCGTCTTCCTGG-3'
Protein context (NP_000739.1, residues 311-331): SIVTSVCVLN[Val321Leu]HHRSPTTHTM

ClinVar aggregate classification (germline): Uncertain significance. Review status: criteria provided, multiple submitters, no conflicts (2 of 4 stars). 2 submissions from 2 submitters: Uncertain significance (2). Last evaluated 2024-04-05.

Conditions:
Familial sleep-related hypermotor epilepsy. Also called: Autosomal Dominant Sleep-Related Hypermotor (Hyperkinetic) Epilepsy. Identifiers: Orphanet 98784, MedGen C3696898, MONDO:0000030.

gnomAD v4.1: 4 of 1,614,040 alleles (0.00025%); highest among the groups gnomAD compares: Admixed American, 0.0033%; no homozygotes.

Submissions (2):

GeneDx
Classification: Uncertain significance. Last evaluated: 2024-04-05. Review status: criteria provided, single submitter. Criteria: GeneDx Variant Classification Process June 2021. Collection method: clinical testing. Allele origin: germline. Affected: yes.
Comment: Not observed at significant frequency in large population cohorts (gnomAD); In silico analysis indicates that this missense variant does not alter protein structure/function; Has not been previously published as pathogenic or benign to our knowledge

Labcorp Genetics (formerly Invitae), Labcorp
Classification: Uncertain significance. Last evaluated: 2023-09-30. Review status: criteria provided, single submitter. Criteria: Invitae Variant Classification Sherloc (09022015). Collection method: clinical testing. Allele origin: germline.
Comment: This variant has not been reported in the literature in individuals affected with CHRNB2-related conditions. This variant is not present in population databases (gnomAD no frequency). This sequence change replaces valine, which is neutral and non-polar, with leucine, which is neutral and non-polar, at codon 321 of the CHRNB2 protein (p.Val321Leu). In summary, the available evidence is currently insufficient to determine the role of this variant in disease. Therefore, it has been classified as a Variant of Uncertain Significance. Advanced modeling of protein sequence and biophysical properties (such as structural, functional, and spatial information, amino acid conservation, physicochemical variation, residue mobility, and thermodynamic stability) performed at Invitae indicates that this missense variant is not expected to disrupt CHRNB2 protein function.